The following is an entry in ClinVar:

NM_177438.3(DICER1):c.1711del (p.Ser571fs)

Gene: DICER1 (dicer 1, ribonuclease III; minus strand). Cytogenetic location: 14q32.13.
Variant type: Deletion.
Coding change: c.1711del on transcript NM_177438.3 (MANE Select); coding-DNA position 1711, one base deleted (A; older notation c.1711delA).
Protein change: p.Ser571fs; shifts the reading frame from serine 571.
Molecular consequence: frameshift variant.
Genome position (GRCh38, 1-based): chr14:95,116,494, T deleted on the plus strand (A on the coding strand, the reverse complement: DICER1 is on the minus strand); the first of 5 consecutive T bases (chr14:95,116,494-95,116,498); deleting any one gives the same sequence. VCF-style (leftmost placement, unchanged base first): chr14-95116493-CT-C. GRCh37 (hg19) VCF-style: chr14-95582830-CT-C.
Other names: p.S571VfsX16; c.1711del, p.Ser571fs (NM_001195573.1, NM_001271282.3, NM_001291628.2 and 1 more transcripts); short protein forms S571fs.
Identifiers: ClinVar variation 1217318 (VCV001217318.2), dbSNP rs2140123302, ClinGen allele CA2499222817.

ClinVar aggregate classification (germline): Pathogenic (1 of 4 stars; one submission).

Conditions:
DICER1-related tumor predisposition. Also called: DICER1-related pleuropulmonary blastoma cancer predisposition syndrome; DICER1 syndrome. Identifiers: Orphanet 284343, MedGen C3839822, MONDO:0100216.

Submission:

Foulkes Cancer Genetics LDI, Lady Davis Institute for Medical Research
Classification: Pathogenic for Pleuropulmonary blastoma. Last evaluated: 2019-07-01. Review status: criteria provided, single submitter. Criteria: ACMG Guidelines, 2015. Collection method: curation. Allele origin: somatic. Affected: yes. Observed: 1 variant allele.
Comment: ACMG criteria met: PVS1, PM1, PM2

Literature cited by the submitters: PubMed 26925222.